The following is an entry in ClinVar:

ClinVar aggregate classification (germline): Pathogenic. Review status: criteria provided, multiple submitters, no conflicts (2 of 4 stars). 3 submissions from 3 submitters: Pathogenic (3). Last evaluated 2023-04-11.

Conditions:
Intellectual disability-microcephaly-strabismus-behavioral abnormalities syndrome. Also called: White-Sutton Syndrome. Identifiers: Orphanet 468678, MedGen C4225351, MONDO:0014606, OMIM 616364.

Submissions (3):

Genome-Nilou Lab
Classification: Pathogenic for Intellectual disability-microcephaly-strabismus-behavioral abnormalities syndrome. Last evaluated: 2023-04-11. Review status: criteria provided, single submitter. Criteria: ACMG Guidelines, 2015. Collection method: clinical testing. Allele origin: germline. Affected: no.

Baylor Genetics
Classification: Pathogenic for Intellectual disability-microcephaly-strabismus-behavioral abnormalities syndrome. Last evaluated: 2019-11-20. Review status: criteria provided, single submitter. Criteria: ACMG Guidelines, 2015. Collection method: clinical testing. Allele origin: de novo. Affected: yes.
Comment: This variant was determined to be pathogenic according to ACMG Guidelines, 2015 [PMID:25741868].

GeneDx
Classification: Pathogenic. Last evaluated: 2017-09-12. Review status: criteria provided, single submitter. Criteria: GeneDx Variant Classification (06012015). Collection method: clinical testing. Allele origin: germline. Affected: yes.
Comment: The Y536X nonsense variant in the POGZ gene is predicted to cause loss of normal protein function either through protein truncation or nonsense-mediated mRNA decay. The Y536X variant is not observed in large population cohorts (Lek et al., 2016; 1000 Genomes Consortium et al., 2015; Exome Variant Server).

NM_015100.4(POGZ):c.1608C>A (p.Tyr536Ter)

Gene: POGZ (pogo transposable element derived with ZNF domain; minus strand). Cytogenetic location: 1q21.3.
Variant type: single nucleotide variant.
Coding change: c.1608C>A on transcript NM_015100.4 (MANE Select); coding-DNA position 1608, C replaced by A.
Protein change: p.Tyr536Ter; replaces tyrosine 536 with a stop codon.
Molecular consequence: nonsense.
Genome position (GRCh38, 1-based): chr1:151,423,467, G>T on the plus strand (C>A on the coding strand, the complement: POGZ is on the minus strand). VCF-style: chr1-151423467-G-T. GRCh37 (hg19) VCF-style: chr1-151395943-G-T.
Other names: c.1581C>A, p.Tyr527Ter (NM_001194937.2); c.1422C>A, p.Tyr474Ter (NM_001194938.2); c.1323C>A, p.Tyr441Ter (NM_145796.4); c.1449C>A, p.Tyr483Ter (NM_207171.2); short protein forms Y536*, Y441*, Y527*, Y474*, Y483*.
Identifiers: ClinVar variation 451792 (VCV000451792.4), dbSNP rs1553223544, ClinGen allele CA341970013.